The following is an entry in ClinVar:

ClinVar aggregate classification (germline): Conflicting classifications of pathogenicity. Review status: criteria provided, conflicting classifications (1 of 4 stars). 2 submissions from 2 submitters: Uncertain significance (1); Likely benign (1). Last evaluated 2025-05-23.

Allele frequency attached by ClinVar (database versions not stated): ExAC 0.00001.
gnomAD v4.1: 2 of 1,498,116 alleles (0.00013%); highest among the groups gnomAD compares: Admixed American, 0.0023%; no homozygotes.

Submissions (2):

Ambry Genetics
Classification: Likely benign. Last evaluated: 2025-05-23. Review status: criteria provided, single submitter. Criteria: Ambry Variant Classification Scheme 2023. Collection method: clinical testing. Allele origin: germline.

Labcorp Genetics (formerly Invitae), Labcorp
Classification: Uncertain significance. Last evaluated: 2023-01-31. Review status: criteria provided, single submitter. Criteria: Invitae Variant Classification Sherloc (09022015). Collection method: clinical testing. Allele origin: germline.
Comment: In summary, the available evidence is currently insufficient to determine the role of this variant in disease. Therefore, it has been classified as a Variant of Uncertain Significance. This sequence change affects codon 36 of the SRP72 mRNA. It is a 'silent' change, meaning that it does not change the encoded amino acid sequence of the SRP72 protein. It affects a nucleotide within the consensus splice site. This variant is present in population databases (rs773901373, gnomAD 0.005%). This variant has not been reported in the literature in individuals affected with SRP72-related conditions. Algorithms developed to predict the effect of sequence changes on RNA splicing suggest that this variant is not likely to affect RNA splicing.

NM_006947.4(SRP72):c.108G>A (p.Lys36=)

Gene: SRP72 (signal recognition particle 72; plus strand). Cytogenetic location: 4q12.
Variant type: single nucleotide variant.
Coding change: c.108G>A on transcript NM_006947.4 (MANE Select); coding-DNA position 108, G replaced by A.
Protein change: p.Lys36=; no amino-acid change (lysine 36 retained).
Molecular consequence: synonymous variant. On other transcripts: non-coding transcript variant (1).
Genome position (GRCh38, 1-based): chr4:56,467,743, G>A. VCF-style: chr4-56467743-G-A. GRCh37 (hg19) VCF-style: chr4-57333909-G-A.
Other names: c.108G>A (NM_006947.3); c.108G>A, p.Lys36= (NM_001267722.2).
Identifiers: ClinVar variation 2810742 (VCV002810742.4), dbSNP rs773901373, ClinGen allele CA2930954.
Genomic context (GRCh38, chr4:56,467,743, plus strand): 5'-TGAAGTGAACCGGTATGGCCAGAACGGCGACTTCACGCGCGCTCTCAAGACCGTCAATAA[G>A]AGTAAGTGTCGGGGTGGGCACTGGGGCGGGCCCAGGCCGGCTGGAGGATGCGGCCTGTTT-3'
Protein context (NP_008878.3, residues 26-46): DFTRALKTVN[Lys36=]ILQINKDDVT